The following is an entry in ClinVar:

NC_000011.10:g.(?_108272522)_(108282889_?)dup

Gene: ATM (ATM serine/threonine kinase; plus strand). Cytogenetic location: 11q22.3.
Variant type: Duplication.
Identifiers: ClinVar variation 831790 (VCV000831790.8).

ClinVar aggregate classification (germline): Uncertain significance (1 of 4 stars; one submission).

Conditions:
Ataxia-telangiectasia syndrome (AT). Also called: ATAXIA-TELANGIECTASIA, COMPLEMENTATION GROUP A; ATAXIA-TELANGIECTASIA, FRESNO VARIANT; Ataxia-telangiectasia, complementation group E; Ataxia telangiectasia (A-T); LOUIS-BAR SYNDROME; Cerebello-oculocutaneous telangiectasia. Identifiers: Orphanet 100, MedGen C0004135, MONDO:0008840, OMIM 208900.

Submission:

Labcorp Genetics (formerly Invitae), Labcorp
Classification: Uncertain significance for Ataxia-telangiectasia syndrome. Last evaluated: 2019-11-11. Review status: criteria provided, single submitter. Criteria: Invitae Variant Classification Sherloc (09022015). Collection method: clinical testing. Allele origin: germline.
Comment: This variant has not been reported in the literature in individuals with ATM-related disease. In summary, the available evidence is currently insufficient to determine the role of this variant in disease. Therefore, it has been classified as a Variant of Uncertain Significance. Experimental studies and prediction algorithms are not available for this variant, and the functional significance of the duplicated amino acids is currently unknown. This variant is a copy number gain of the genomic region encompassing exons 21-25 of the ATM gene. While the exact position of this variant cannot be determined from this data, it is likely in tandem and in-frame, therefore preserving the integrity of the reading frame.